The following is an entry in ClinVar:

ClinVar aggregate classification (germline): Uncertain significance. Review status: criteria provided, multiple submitters, no conflicts (2 of 4 stars). 2 submissions from 2 submitters: Uncertain significance (2). Last evaluated 2025-08-09.

Conditions:
Cardiovascular phenotype. Identifiers: MedGen CN230736.
Progressive familial heart block type IB (PFHB1B). Identifiers: Orphanet 871, MedGen C1970298, MONDO:0011474, OMIM 604559.

Submissions (2):

Labcorp Genetics (formerly Invitae), Labcorp
Classification: Uncertain significance for Progressive familial heart block type IB. Last evaluated: 2025-08-09. Review status: criteria provided, single submitter. Criteria: Invitae Variant Classification Sherloc (09022015). Collection method: clinical testing. Allele origin: germline.
Comment: This sequence change replaces alanine, which is neutral and non-polar, with threonine, which is neutral and polar, at codon 169 of the TRPM4 protein (p.Ala169Thr). This variant is not present in population databases (gnomAD no frequency). This variant has not been reported in the literature in individuals affected with TRPM4-related conditions. ClinVar contains an entry for this variant (Variation ID: 1745093). An algorithm developed to predict the effect of missense changes on protein structure and function (PolyPhen-2) suggests that this variant is likely to be disruptive. In summary, the available evidence is currently insufficient to determine the role of this variant in disease. Therefore, it has been classified as a Variant of Uncertain Significance.

Ambry Genetics
Classification: Uncertain significance for Cardiovascular phenotype. Last evaluated: 2024-08-11. Review status: criteria provided, single submitter. Criteria: Ambry Variant Classification Scheme 2023. Collection method: clinical testing. Allele origin: germline.
Comment: The p.A169T variant (also known as c.505G>A), located in coding exon 5 of the TRPM4 gene, results from a G to A substitution at nucleotide position 505. The alanine at codon 169 is replaced by threonine, an amino acid with similar properties. This amino acid position is conserved. In addition, this alteration is predicted to be tolerated by in silico analysis. Since supporting evidence is limited at this time, the clinical significance of this alteration remains unclear.

NM_017636.4(TRPM4):c.505G>A (p.Ala169Thr)

Gene: TRPM4 (transient receptor potential cation channel subfamily M member 4; plus strand). Cytogenetic location: 19q13.33.
Variant type: single nucleotide variant.
Coding change: c.505G>A on transcript NM_017636.4 (MANE Select); coding-DNA position 505, G replaced by A.
Protein change: p.Ala169Thr; replaces alanine 169 with threonine.
Molecular consequence: missense variant. On other transcripts: 5 prime UTR variant (2), intron variant (2).
Genome position (GRCh38, 1-based): chr19:49,168,316, G>A. VCF-style: chr19-49168316-G-A. GRCh37 (hg19) VCF-style: chr19-49671573-G-A.
Other names: c.505G>A, p.Ala169Thr (NM_001195227.2); c.-1049G>A (NM_001321282.2); c.-18G>A (NM_001321283.2); c.268-237G>A (NM_001321281.2); c.-237-237G>A (NM_001321285.2); short protein forms A169T.
Identifiers: ClinVar variation 1745093 (VCV001745093.8), dbSNP rs934435874, ClinGen allele CA309431184.
Genomic context (GRCh38, chr19:49,168,316, plus strand): 5'-GTAGGAGCCTGGATTGTCACTGGGGGTCTGCACACGGGCATCGGCCGGCATGTTGGTGTG[G>A]CTGTACGGGACCATCAGATGGCCAGCACTGGGGGCACCAAGGTGGTGGCCATGGGTGTGG-3'
Protein context (NP_060106.2, residues 159-179): HTGIGRHVGV[Ala169Thr]VRDHQMASTG